The following is an entry in ClinVar:

ClinVar aggregate classification (germline): Uncertain significance. Review status: criteria provided, multiple submitters, no conflicts (2 of 4 stars). 2 submissions from 2 submitters: Uncertain significance (2). Last evaluated 2026-08-07.

Conditions:
Inborn genetic diseases. Identifiers: MedGen C0950123, MeSH D030342.
PLS1-related disorder. Also called: PLS1-related condition.

Allele frequency attached by ClinVar (database versions not stated): gnomAD exomes below 0.00001; ExAC 0.00001; TOPMed 0.00003.
gnomAD v4.1: 7 of 1,612,098 alleles (0.00043%); highest among the groups gnomAD compares: Admixed American, 0.0067%; no homozygotes.

Submissions (2):

PreventionGenetics, part of Exact Sciences
Classification: Uncertain significance for PLS1-related condition. Last evaluated: 2026-08-07. Review status: criteria provided, single submitter. Criteria: ACMG Guidelines, 2015. Collection method: clinical testing. Allele origin: germline.
Comment: The PLS1 c.1279A>G variant is predicted to result in the amino acid substitution p.Ile427Val. To our knowledge, this variant has not been reported in the literature. This variant is reported in 0.012% of alleles in individuals of Latino descent in gnomAD. At this time, the clinical significance of this variant is uncertain due to the absence of conclusive functional and genetic evidence.

Ambry Genetics
Classification: Uncertain significance for Inborn genetic diseases. Last evaluated: 2024-01-23. Review status: criteria provided, single submitter. Criteria: Ambry Variant Classification Scheme 2023. Collection method: clinical testing. Allele origin: germline.

NM_001145319.2(PLS1):c.1279A>G (p.Ile427Val)

Gene: PLS1 (plastin 1; plus strand). Cytogenetic location: 3q23.
Variant type: single nucleotide variant.
Coding change: c.1279A>G on transcript NM_001145319.2 (MANE Select); coding-DNA position 1279, A replaced by G.
Protein change: p.Ile427Val; replaces isoleucine 427 with valine.
Molecular consequence: missense variant.
Genome position (GRCh38, 1-based): chr3:142,697,975, A>G. VCF-style: chr3-142697975-A-G. GRCh37 (hg19) VCF-style: chr3-142416817-A-G.
Other names: c.1279A>G (NM_001145319.1); c.1279A>G, p.Ile427Val (NM_001172312.2, NM_002670.3); short protein forms I427V.
Identifiers: ClinVar variation 3215456 (VCV003215456.2), dbSNP rs750067280, ClinGen allele CA2651279.